The following is an entry in ClinVar:

ClinVar aggregate classification (germline): Uncertain significance. Review status: criteria provided, multiple submitters, no conflicts (2 of 4 stars). 2 submissions from 2 submitters: Uncertain significance (2). Last evaluated 2025-08-23.

Conditions:
Inborn genetic diseases. Identifiers: MedGen C0950123, MeSH D030342.

Allele frequency attached by ClinVar (database versions not stated): gnomAD exomes 0.00001; ExAC 0.00002.
gnomAD v4.1: 9 of 1,427,412 alleles (0.00063%); highest among the groups gnomAD compares: Admixed American, 0.0027%; no homozygotes.

Submissions (2):

Ambry Genetics
Classification: Uncertain significance for Inborn genetic diseases. Last evaluated: 2025-08-23. Review status: criteria provided, single submitter. Criteria: Ambry Variant Classification Scheme 2023. Collection method: clinical testing. Allele origin: germline.

Labcorp Genetics (formerly Invitae), Labcorp
Classification: Uncertain significance. Last evaluated: 2022-04-16. Review status: criteria provided, single submitter. Criteria: Invitae Variant Classification Sherloc (09022015). Collection method: clinical testing. Allele origin: germline.
Comment: This sequence change replaces arginine, which is basic and polar, with histidine, which is basic and polar, at codon 2 of the PODXL protein (p.Arg2His). The frequency data for this variant in the population databases is considered unreliable, as metrics indicate poor data quality at this position in the gnomAD database. In summary, the available evidence is currently insufficient to determine the role of this variant in disease. Therefore, it has been classified as a Variant of Uncertain Significance. Algorithms developed to predict the effect of missense changes on protein structure and function are either unavailable or do not agree on the potential impact of this missense change (SIFT: "Tolerated"; PolyPhen-2: "Not Available"; Align-GVGD: "Class C0"). This variant has not been reported in the literature in individuals affected with PODXL-related conditions.

NM_001018111.3(PODXL):c.5G>A (p.Arg2His)

Genes: PODXL (podocalyxin like; minus strand), LOC129999375 (ATAC-STARR-seq lymphoblastoid silent region 18663; plus strand). Cytogenetic location: 7q32.3.
Variant type: single nucleotide variant.
Coding change: c.5G>A on transcript NM_001018111.3 (MANE Select); coding-DNA position 5, G replaced by A.
Protein change: p.Arg2His; replaces arginine 2 with histidine.
Molecular consequence: missense variant.
Genome position (GRCh38, 1-based): chr7:131,556,355, C>T on the plus strand (G>A on the coding strand, the complement: PODXL is on the minus strand). VCF-style: chr7-131556355-C-T. GRCh37 (hg19) VCF-style: chr7-131241114-C-T.
Other names: c.5G>A (NM_001018111.2); c.5G>A, p.Arg2His (NM_005397.4); short protein forms R2H.
Identifiers: ClinVar variation 1369009 (VCV001369009.7), dbSNP rs748939842, ClinGen allele CA4488807.